The following is an entry in ClinVar:

NM_001829.4(CLCN3):c.1393C>A (p.Pro465Thr)

Gene: CLCN3 (chloride voltage-gated channel 3; plus strand). Cytogenetic location: 4q33.
Variant type: single nucleotide variant.
Coding change: c.1393C>A on transcript NM_001829.4 (MANE Select); coding-DNA position 1393, C replaced by A.
Protein change: p.Pro465Thr; replaces proline 465 with threonine.
Molecular consequence: missense variant.
Genome position (GRCh38, 1-based): chr4:169,697,564, C>A. VCF-style: chr4-169697564-C-A. GRCh37 (hg19) VCF-style: chr4-170618715-C-A.
Other names: c.1312C>A, p.Pro438Thr (NM_001243372.2, NM_001243374.2); c.1393C>A, p.Pro465Thr (NM_173872.4); short protein forms P438T, P465T.
Identifiers: ClinVar variation 3493316 (VCV003493316.2).

ClinVar aggregate classification (germline): Uncertain significance. Review status: criteria provided, multiple submitters, no conflicts (2 of 4 stars). 2 submissions from 2 submitters: Uncertain significance (2). Last evaluated 2025-03-29.

Conditions:
Inborn genetic diseases. Identifiers: MedGen C0950123, MeSH D030342.

gnomAD v4.1: 2 of 1,614,062 alleles (0.00012%); highest among the groups gnomAD compares: Admixed American, 0.0033%; no homozygotes.

Submissions (2):

Labcorp Genetics (formerly Invitae), Labcorp
Classification: Uncertain significance. Last evaluated: 2025-03-29. Review status: criteria provided, single submitter. Criteria: Invitae Variant Classification Sherloc (09022015). Collection method: clinical testing. Allele origin: germline.
Comment: This sequence change replaces proline, which is neutral and non-polar, with threonine, which is neutral and polar, at codon 465 of the CLCN3 protein (p.Pro465Thr). This variant is present in population databases (no rsID available, gnomAD 0.003%). This variant has not been reported in the literature in individuals affected with CLCN3-related conditions. ClinVar contains an entry for this variant (Variation ID: 3493316). Invitae Evidence Modeling of protein sequence and biophysical properties (such as structural, functional, and spatial information, amino acid conservation, physicochemical variation, residue mobility, and thermodynamic stability) indicates that this missense variant is not expected to disrupt CLCN3 protein function with a negative predictive value of 80%. In summary, the available evidence is currently insufficient to determine the role of this variant in disease. Therefore, it has been classified as a Variant of Uncertain Significance.

Ambry Genetics
Classification: Uncertain significance for Inborn genetic diseases. Last evaluated: 2024-11-08. Review status: criteria provided, single submitter. Criteria: Ambry Variant Classification Scheme 2023. Collection method: clinical testing. Allele origin: germline.